The following is an entry in ClinVar:

NM_014991.6(WDFY3):c.1394G>A (p.Ser465Asn)

Gene: WDFY3 (WD repeat and FYVE domain containing 3; minus strand). Cytogenetic location: 4q21.23.
Variant type: single nucleotide variant.
Coding change: c.1394G>A on transcript NM_014991.6 (MANE Select); coding-DNA position 1394, G replaced by A.
Protein change: p.Ser465Asn; replaces serine 465 with asparagine.
Molecular consequence: missense variant.
Genome position (GRCh38, 1-based): chr4:84,821,281, C>T on the plus strand (G>A on the coding strand, the complement: WDFY3 is on the minus strand). VCF-style: chr4-84821281-C-T. GRCh37 (hg19) VCF-style: chr4-85742434-C-T.
Other names: short protein forms S465N.
Identifiers: ClinVar variation 3764439 (VCV003764439.1).

ClinVar aggregate classification (germline): Uncertain significance (1 of 4 stars; one submission).

Submission:

GeneDx
Classification: Uncertain significance. Last evaluated: 2024-08-19. Review status: criteria provided, single submitter. Criteria: GeneDx Variant Classification Process June 2021. Collection method: clinical testing. Allele origin: germline. Affected: yes.
Comment: Not observed at significant frequency in large population cohorts (gnomAD); In silico analysis indicates that this missense variant does not alter protein structure/function; Has not been previously published as pathogenic or benign to our knowledge